The following is an entry in ClinVar:

ClinVar aggregate classification (germline): Uncertain significance (0 of 4 stars; one submission).

Conditions:
CEP164-related disorder. Also called: CEP164-related condition.

Submission:

PreventionGenetics, part of Exact Sciences
Classification: Uncertain significance for CEP164-related condition. Last evaluated: 2024-08-30. Review status: no assertion criteria provided. Collection method: clinical testing. Allele origin: germline.
Comment: The CEP164 c.1995_1997delGGA variant is predicted to result in an in-frame deletion (p.Glu666del). To our knowledge, this variant has not been reported in the literature. This variant is reported in 0.0029% of alleles in individuals of Latino descent in gnomAD. At this time, the clinical significance of this variant is uncertain due to the absence of conclusive functional and genetic evidence.

NM_014956.5(CEP164):c.1992GGA[1] (p.Glu666del)

Gene: CEP164 (centrosomal protein 164; plus strand). Cytogenetic location: 11q23.3.
Variant type: Microsatellite.
Coding change: c.1992GGA[1] on transcript NM_014956.5 (MANE Select); one copy of the 3-base unit GGA starting at c.1992; the reference has two copies in a row; one copy, 3 bases deleted.
Protein change: p.Glu666del; deletes glutamic acid 666.
Molecular consequence: inframe deletion.
Genome position (GRCh38, 1-based): chr11:117,390,837-117,390,839, GGA deleted; deleting any 3 consecutive bases within chr11:117,390,832-117,390,839 gives the same sequence; the position shown is the placement nearest the transcript's 3' end. VCF-style (leftmost placement, unchanged base first): chr11-117390831-AGAG-A. GRCh37 (hg19) VCF-style: chr11-117261547-AGAG-A.
Other names: c.2001GGA[1], p.Glu669del (NM_001271933.2); short protein forms E666del, E669del.
Identifiers: ClinVar variation 3356552 (VCV003356552.1).